The following is an entry in ClinVar:

ClinVar aggregate classification (germline): Likely benign (1 of 4 stars; one submission).

Submission:

CeGaT Center for Human Genetics Tuebingen
Classification: Likely benign. Last evaluated: 2025-11-01. Review status: criteria provided, single submitter. Criteria: CeGaT Center For Human Genetics Tuebingen Variant Classification Criteria Version 2. Collection method: clinical testing. Allele origin: germline. Affected: yes. Observed: 1 variant allele.
Comment: FBRSL1: PM2:Supporting, BP4, BP7

NM_001367871.1(FBRSL1):c.2622C>T (p.Ser874=)

Gene: FBRSL1 (fibrosin like 1; plus strand). Cytogenetic location: 12q24.33.
Variant type: single nucleotide variant.
Coding change: c.2622C>T on transcript NM_001367871.1 (MANE Select); coding-DNA position 2622, C replaced by T.
Protein change: p.Ser874=; no amino-acid change (serine 874 retained).
Molecular consequence: synonymous variant.
Genome position (GRCh38, 1-based): chr12:132,583,391, C>T. VCF-style: chr12-132583391-C-T. GRCh37 (hg19) VCF-style: chr12-133159977-C-T.
Other names: c.2751C>T, p.Ser917= (NM_001142641.2); c.2676C>T, p.Ser892= (NM_001382739.1); c.2001C>T, p.Ser667= (NM_001382740.1).
Identifiers: ClinVar variation 4535245 (VCV004535245.6).